The following is an entry in ClinVar:

NM_006949.4(STXBP2):c.560C>T (p.Pro187Leu)

Gene: STXBP2 (syntaxin binding protein 2; plus strand). Cytogenetic location: 19p13.2.
Variant type: single nucleotide variant.
Coding change: c.560C>T on transcript NM_006949.4 (MANE Select); coding-DNA position 560, C replaced by T.
Protein change: p.Pro187Leu; replaces proline 187 with leucine.
Molecular consequence: missense variant. On other transcripts: non-coding transcript variant (1).
Genome position (GRCh38, 1-based): chr19:7,641,835, C>T. VCF-style: chr19-7641835-C-T. GRCh37 (hg19) VCF-style: chr19-7706721-C-T.
Other names: c.551C>T, p.Pro184Leu (NM_001127396.3); c.593C>T, p.Pro198Leu (NM_001272034.2); c.464C>T, p.Pro155Leu (NM_001414484.1); c.560C>T (NM_006949.3); short protein forms P155L, P184L, P198L, P187L.
Identifiers: ClinVar variation 2195438 (VCV002195438.10), dbSNP rs765763103, ClinGen allele CA9143684.

ClinVar aggregate classification (germline): Pathogenic/Likely pathogenic. Review status: criteria provided, multiple submitters, no conflicts (2 of 4 stars). 6 submissions from 6 submitters: Pathogenic (1); Likely pathogenic (5). Last evaluated 2025-09-16.

Conditions:
Familial hemophagocytic lymphohistiocytosis (FHL). Also called: Familial erythrophagocytic lymphohistiocytosis; Familial histiocytic reticulosis; Hereditary hemophagocytic lymphohistiocytosis. Identifiers: Orphanet 158038, Orphanet 540, MedGen C0272199, MONDO:0015541.
Familial hemophagocytic lymphohistiocytosis 5. Also called: STXBP2-Related Familial Hemophagocytic Lymphohistiocytosis (STXBP2-fHLH). Identifiers: Orphanet 540, MedGen C2751293, MONDO:0013135, OMIM 613101.
STXBP2-related disorder. Also called: STXBP2-related condition.

Allele frequency attached by ClinVar (database versions not stated): gnomAD 0.00001; gnomAD exomes 0.00001; TOPMed 0.00003.
gnomAD v4.1: 10 of 1,553,438 alleles (0.00064%); highest among the groups gnomAD compares: East Asian, 0.0049%; no homozygotes.

Submissions (6):

Labcorp Genetics (formerly Invitae), Labcorp
Classification: Pathogenic for Familial hemophagocytic lymphohistiocytosis 5. Last evaluated: 2025-09-16. Review status: criteria provided, single submitter. Criteria: Invitae Variant Classification Sherloc (09022015). Collection method: clinical testing. Allele origin: germline.
Comment: This sequence change replaces proline, which is neutral and non-polar, with leucine, which is neutral and non-polar, at codon 187 of the STXBP2 protein (p.Pro187Leu). This variant is present in population databases (rs765763103, gnomAD 0.004%). This missense change has been observed in individual(s) with clinical features of autosomal recessive familial hemophagocytic lymphohistiocytosis (PMID: 32542393; internal data). In at least one individual the data is consistent with being in trans (on the opposite chromosome) from a pathogenic variant. ClinVar contains an entry for this variant (Variation ID: 2195438). Invitae Evidence Modeling of protein sequence and biophysical properties (such as structural, functional, and spatial information, amino acid conservation, physicochemical variation, residue mobility, and thermodynamic stability) indicates that this missense variant is expected to disrupt STXBP2 protein function with a positive predictive value of 95%. For these reasons, this variant has been classified as Pathogenic.

Women's Health and Genetics/Laboratory Corporation of America, LabCorp
Classification: Likely pathogenic for Familial hemophagocytic lymphohistiocytosis. Last evaluated: 2025-07-08. Review status: criteria provided, single submitter. Criteria: LabCorp Variant Classification Summary - May 2015. Collection method: clinical testing. Allele origin: germline.
Comment: Variant summary: STXBP2 c.560C>T (p.Pro187Leu) results in a non-conservative amino acid change in the encoded protein sequence. Algorithms developed to predict the effect of missense changes on protein structure and function all suggest that this variant is likely to be disruptive. The variant allele was found at a frequency of 6.4e-06 in 156330 control chromosomes. c.560C>T has been reported in the literature in an individual affected with Hemophagocytic Lymphohistiocytosis (Gadoury-Levesque_2020, internal data). These data indicate that the variant is likely to be associated with disease. To our knowledge, no experimental evidence demonstrating an impact on protein function has been reported. The following publication has been ascertained in the context of this evaluation (PMID: 32542393). ClinVar contains an entry for this variant (Variation ID: 2195438). Based on the evidence outlined above, the variant was classified as likely pathogenic.

GeneDx
Classification: Likely pathogenic. Last evaluated: 2025-03-26. Review status: criteria provided, single submitter. Criteria: GeneDx Variant Classification Process June 2021. Collection method: clinical testing. Allele origin: germline. Affected: yes.
Comment: Not observed at significant frequency in large population cohorts (gnomAD); In silico analysis supports that this missense variant has a deleterious effect on protein structure/function; This variant is associated with the following publications: (PMID: 32542393)

3billion
Classification: Likely pathogenic for Familial hemophagocytic lymphohistiocytosis 5. Last evaluated: 2024-07-08. Review status: criteria provided, single submitter. Criteria: ACMG Guidelines, 2015. Collection method: clinical testing. Allele origin: germline. Affected: yes.
Comment: The variant is observed at an extremely low frequency in the gnomAD v4.0.0 dataset (total allele frequency: <0.001%). Predicted Consequence/Location: The majority of the known disease-causing variants of this gene are variants expected to result in premature termination of the protein. In silico tool predictions suggest damaging effect of the variant on gene or gene product [REVEL: 0.91 (>=0.6, sensitivity 0.68 and specificity 0.92)]. The same nucleotide change resulting in the same amino acid change has been previously reported as pathogenic/likely pathogenic with strong evidence (ClinVar ID: VCV002195438 /PMID: 32542393). Therefore, this variant is classified as Likely pathogenic according to the recommendation of ACMG/AMP guideline.

Fulgent Genetics
Classification: Likely pathogenic for Familial hemophagocytic lymphohistiocytosis 5. Last evaluated: 2024-06-18. Review status: criteria provided, single submitter. Criteria: ACMG Guidelines, 2015. Collection method: clinical testing. Allele origin: germline.

Blueprint Genetics
Classification: Likely pathogenic for STXBP2-related disorders. Last evaluated: 2021-06-09. Review status: criteria provided, single submitter. Criteria: ACMG Guidelines, 2015. Collection method: clinical testing. Allele origin: germline. Affected: yes. Observed: 1 variant allele.

Literature cited by the submitters: PubMed 32542393 (cited by 3 submitters).